The following is an entry in ClinVar:

NM_000780.4(CYP7A1):c.937G>A (p.Glu313Lys)

Gene: CYP7A1 (cytochrome P450 family 7 subfamily A member 1; minus strand). Cytogenetic location: 8q12.1.
Variant type: single nucleotide variant.
Coding change: c.937G>A on transcript NM_000780.4 (MANE Select); coding-DNA position 937, G replaced by A.
Protein change: p.Glu313Lys; replaces glutamic acid 313 with lysine.
Molecular consequence: missense variant.
Genome position (GRCh38, 1-based): chr8:58,494,608, C>T on the plus strand (G>A on the coding strand, the complement: CYP7A1 is on the minus strand). VCF-style: chr8-58494608-C-T. GRCh37 (hg19) VCF-style: chr8-59407167-C-T.
Other names: c.937G>A (NM_000780.3); short protein forms E313K.
Identifiers: ClinVar variation 497638 (VCV000497638.7), dbSNP rs140288234, ClinGen allele CA4756696.

ClinVar aggregate classification (germline): Uncertain significance. Review status: criteria provided, multiple submitters, no conflicts (2 of 4 stars). 3 submissions from 3 submitters: Uncertain significance (2). 1 of the submissions does not count toward it. Last evaluated 2025-08-03.

Conditions:
CYP7A1-related disorder. Also called: CYP7A1-related condition.

Allele frequency attached by ClinVar (database versions not stated): gnomAD exomes 0.00010 and 0.00004; gnomAD 0.00045 and 0.00051; TOPMed 0.00048; ESP Exome Variant Server 0.00062; ExAC 0.00007.

Submissions (3):

Labcorp Genetics (formerly Invitae), Labcorp
Classification: Uncertain significance. Last evaluated: 2025-08-03. Review status: criteria provided, single submitter. Criteria: Invitae Variant Classification Sherloc (09022015). Collection method: clinical testing. Allele origin: germline.
Comment: This sequence change replaces glutamic acid, which is acidic and polar, with lysine, which is basic and polar, at codon 313 of the CYP7A1 protein (p.Glu313Lys). This variant is present in population databases (rs140288234, gnomAD 0.1%), and has an allele count higher than expected for a pathogenic variant. This variant has not been reported in the literature in individuals affected with CYP7A1-related conditions. ClinVar contains an entry for this variant (Variation ID: 497638). Invitae Evidence Modeling of protein sequence and biophysical properties (such as structural, functional, and spatial information, amino acid conservation, physicochemical variation, residue mobility, and thermodynamic stability) indicates that this missense variant is not expected to disrupt CYP7A1 protein function with a negative predictive value of 80%. In summary, the available evidence is currently insufficient to determine the role of this variant in disease. Therefore, it has been classified as a Variant of Uncertain Significance.

Eurofins Ntd Llc (ga)
Classification: Uncertain significance. Last evaluated: 2017-05-02. Review status: criteria provided, single submitter. Criteria: EGL Classification Definitions 2015. Collection method: clinical testing. Allele origin: germline. Observed: 3 variant alleles, 3 heterozygotes.

PreventionGenetics, part of Exact Sciences
Classification: Uncertain significance for CYP7A1-related condition. Last evaluated: 2024-03-06. Review status: no assertion criteria provided. Collection method: clinical testing. Allele origin: germline. Not counted in ClinVar's aggregate classification.
Comment: The CYP7A1 c.937G>A variant is predicted to result in the amino acid substitution p.Glu313Lys. To our knowledge, this variant has not been reported in the literature. This variant is reported in 0.14% of alleles in individuals of African descent in gnomAD. Although we suspect that this variant may be benign, at this time, the clinical significance of this variant is uncertain due to the absence of conclusive functional and genetic evidence.